The following is an entry in ClinVar:

NM_001148.6(ANK2):c.5287A>G (p.Ile1763Val)

Genes: ANK2 (ankyrin 2; plus strand), LOC126807136 (MED14-independent group 3 enhancer GRCh37_chr4:114274931-114276130; plus strand). Cytogenetic location: 4q26.
Variant type: single nucleotide variant.
Coding change: c.5287A>G on transcript NM_001148.6 (MANE Select); coding-DNA position 5287, A replaced by G.
Protein change: p.Ile1763Val; replaces isoleucine 1763 with valine.
Molecular consequence: missense variant. On other transcripts: intron variant (68).
Genome position (GRCh38, 1-based): chr4:113,353,905, A>G. VCF-style: chr4-113353905-A-G. GRCh37 (hg19) VCF-style: chr4-114275061-A-G.
Other names: c.5053A>G, p.Ile1685Val (NM_001386142.1); c.1687A>G, p.Ile563Val (NM_001386166.1); c.5428A>G, p.Ile1810Val (NM_001386174.1); c.5404A>G, p.Ile1802Val (NM_001386175.1); c.4411+3656A>G (NM_001386186.2, NM_001386148.2); c.4213+3656A>G (NM_001354269.3); c.4291+3656A>G (NM_001386187.2); c.4252+3656A>G (NM_001386147.1); and 35 more; short protein forms I1810V, I1685V, I1802V, I1763V, I563V.
Identifiers: ClinVar variation 5008811 (VCV005008811.1).

ClinVar aggregate classification (germline): Uncertain significance (1 of 4 stars; one submission).

gnomAD v4.1: 5 of 1,614,108 alleles (0.00031%); highest among the groups gnomAD compares: Non-Finnish European, 0.00042%; no homozygotes.

Submission:

GeneDx
Classification: Uncertain significance. Last evaluated: 2026-03-09. Review status: criteria provided, single submitter. Criteria: GeneDx Variant Classification Process June 2021. Collection method: clinical testing. Allele origin: germline.
Comment: Not observed at significant frequency in large population cohorts (gnomAD); In silico analysis suggests that this missense variant does not alter protein structure/function; Has not been previously published as pathogenic or benign to our knowledge; This variant is associated with the following publications: (PMID: 1830053, 18790697, 26109584)